The following is an entry in ClinVar:

ClinVar aggregate classification (germline): Uncertain significance (1 of 4 stars; one submission).

gnomAD v4.1: 1 of 1,163,112 alleles (0.000086%); highest among the groups gnomAD compares: African/African-American, 0.0016%; no homozygotes.

Submission:

Labcorp Genetics (formerly Invitae), Labcorp
Classification: Uncertain significance. Last evaluated: 2025-10-19. Review status: criteria provided, single submitter. Criteria: Invitae Variant Classification Sherloc (09022015). Collection method: clinical testing. Allele origin: germline.
Comment: This sequence change replaces alanine, which is neutral and non-polar, with glycine, which is neutral and non-polar, at codon 44 of the NR2F1 protein (p.Ala44Gly). The frequency data for this variant in the population databases is considered unreliable, as metrics indicate insufficient coverage at this position in the gnomAD database. This variant has not been reported in the literature in individuals affected with NR2F1-related conditions. Invitae Evidence Modeling of protein sequence and biophysical properties (such as structural, functional, and spatial information, amino acid conservation, physicochemical variation, residue mobility, and thermodynamic stability) indicates that this missense variant is not expected to disrupt NR2F1 protein function with a negative predictive value of 80%. In summary, the available evidence is currently insufficient to determine the role of this variant in disease. Therefore, it has been classified as a Variant of Uncertain Significance.

NM_005654.6(NR2F1):c.131C>G (p.Ala44Gly)

Genes: NR2F1 (nuclear receptor subfamily 2 group F member 1; plus strand), NR2F1-AS1 (NR2F1 regulatory antisense RNA 1; minus strand). Cytogenetic location: 5q15.
Variant type: single nucleotide variant.
Coding change: c.131C>G on transcript NM_005654.6 (MANE Select); coding-DNA position 131, C replaced by G.
Protein change: p.Ala44Gly; replaces alanine 44 with glycine.
Molecular consequence: missense variant.
Genome position (GRCh38, 1-based): chr5:93,585,154, C>G. VCF-style: chr5-93585154-C-G. GRCh37 (hg19) VCF-style: chr5-92920860-C-G.
Other names: short protein forms A44G.
Identifiers: ClinVar variation 4698722 (VCV004698722.1).